The following is an entry in ClinVar:

ClinVar aggregate classification (germline): Uncertain significance. Review status: criteria provided, multiple submitters, no conflicts (2 of 4 stars). 3 submissions from 3 submitters: Uncertain significance (3). Last evaluated 2025-08-29.

Conditions:
POLG-related disorder. Also called: POLG-related condition; POLG-Related Disorders; POLG-Related Spectrum Disorders. Identifiers: MedGen C4763519.
Progressive sclerosing poliodystrophy (MTDPS4A). Also called: ALPERS PROGRESSIVE INFANTILE POLIODYSTROPHY; Alpers-Huttenlocher Syndrome; Mitochondrial DNA depletion syndrome 4A (Alpers type); NEURONAL DEGENERATION OF CHILDHOOD WITH LIVER DISEASE, PROGRESSIVE; Mitochondrial DNA Depletion Syndrome 4A; Alpers-Huttenlocher Syndrome (AHS). Identifiers: Orphanet 726, MedGen C0205710, MONDO:0008758, OMIM 203700.

Allele frequency attached by ClinVar (database versions not stated): TOPMed below 0.00001; gnomAD 0.00001; gnomAD exomes below 0.00001.
gnomAD v4.1: 7 of 1,613,614 alleles (0.00043%); highest among the groups gnomAD compares: Non-Finnish European, 0.00059%; no homozygotes.

Submissions (3):

Myriad Genetics, Inc.
Classification: Uncertain significance for POLG-related disorder. Last evaluated: 2025-08-29. Review status: criteria provided, single submitter. Criteria: Myriad Autosomal Dominant, Autosomal Recessive and X-Linked Classification Criteria (2023). Collection method: clinical testing. Allele origin: unknown.
Comment: NM_002693.2(POLG):c.1190C>T(A397V) is a missense variant classified as a variant of uncertain significance in the context of POLG-related disorders. A397V has been observed in cases with relevant disease (PMID: 23830586, 22277967). Relevant functional assessments of this variant are not available in the literature. A397V has not been observed in referenced population frequency databases. In summary, there is insufficient evidence to classify NM_002693.2(POLG):c.1190C>T(A397V) as pathogenic or benign. Please note: this variant was assessed in the context of healthy population screening.

Labcorp Genetics (formerly Invitae), Labcorp
Classification: Uncertain significance for Progressive sclerosing poliodystrophy. Last evaluated: 2025-03-12. Review status: criteria provided, single submitter. Criteria: Invitae Variant Classification Sherloc (09022015). Collection method: clinical testing. Allele origin: germline.
Comment: This sequence change replaces alanine, which is neutral and non-polar, with valine, which is neutral and non-polar, at codon 397 of the POLG protein (p.Ala397Val). This variant is not present in population databases (gnomAD no frequency). This missense change has been observed in individual(s) with clinical features of an autosomal recessive ataxia neuropathy spectrum disorder (PMID: 23830586). ClinVar contains an entry for this variant (Variation ID: 2137742). Invitae Evidence Modeling of protein sequence and biophysical properties (such as structural, functional, and spatial information, amino acid conservation, physicochemical variation, residue mobility, and thermodynamic stability) indicates that this missense variant is expected to disrupt POLG protein function with a positive predictive value of 95%. In summary, the available evidence is currently insufficient to determine the role of this variant in disease. Therefore, it has been classified as a Variant of Uncertain Significance.

GeneDx
Classification: Uncertain significance. Last evaluated: 2023-06-27. Review status: criteria provided, single submitter. Criteria: GeneDx Variant Classification Process June 2021. Collection method: clinical testing. Allele origin: germline. Affected: yes.
Comment: Reported previously in a patient with bilateral progressive ptosis, axonal sensory polyneuropathy on EMG, diplopia with EO, sensory ataxia, acute visual loss, and ragged red fibers on muscle biopsy, who also harbored a second variant (phase unknown) (Degos et al., 2014); Reported previously in a patient with mitochondrial disease who also harbored a second variant (phase unknown); however, no further clinical information was provided (Chong-Nguyen et al., 2020); Not observed at significant frequency in large population cohorts (gnomAD); In silico analysis supports that this missense variant has a deleterious effect on protein structure/function; This variant is associated with the following publications: (PMID: 23830586, 31762033)

Literature cited by the submitters: PubMed 22277967 (cited by Myriad Genetics, Inc.); PubMed 23830586 (cited by Myriad Genetics, Inc. and Labcorp Genetics (formerly Invitae), Labcorp).

NM_002693.3(POLG):c.1190C>T (p.Ala397Val)

Gene: POLG (DNA polymerase gamma, catalytic subunit; minus strand). Cytogenetic location: 15q26.1.
Variant type: single nucleotide variant.
Coding change: c.1190C>T on transcript NM_002693.3 (MANE Select); coding-DNA position 1190, C replaced by T.
Protein change: p.Ala397Val; replaces alanine 397 with valine.
Molecular consequence: missense variant.
Genome position (GRCh38, 1-based): chr15:89,328,516, G>A on the plus strand (C>T on the coding strand, the complement: POLG is on the minus strand). VCF-style: chr15-89328516-G-A. GRCh37 (hg19) VCF-style: chr15-89871747-G-A.
Other names: c.1190C>T, p.Ala397Val (NM_001126131.2); short protein forms A397V.
Identifiers: ClinVar variation 2137742 (VCV002137742.6), dbSNP rs1247562338, ClinGen allele CA393764199.
Genomic context (GRCh38, chr15:89,328,516, plus strand): 5'-CTCTCCAAGAAGAGCGGTAGCTGCTGCTGGAAAACCTCATGGGTGGCCCACACGTCCTGG[G>A]CACAGTACTGCATCAGGTCCTGGCACAAGGTGACAGGAAGGCGCAAGGTGGGCAGCCATC-3'
Protein context (NP_002684.1, residues 387-407): ENFQDLMQYC[Ala397Val]QDVWATHEVF